The following is an entry in ClinVar:

NM_024675.4(PALB2):c.50T>G (p.Leu17Ter)

Gene: PALB2 (partner and localizer of BRCA2; minus strand). Cytogenetic location: 16p12.2.
Variant type: single nucleotide variant.
Coding change: c.50T>G on transcript NM_024675.4 (MANE Select); coding-DNA position 50, T replaced by G.
Protein change: p.Leu17Ter; replaces leucine 17 with a stop codon.
Molecular consequence: nonsense.
Genome position (GRCh38, 1-based): chr16:23,638,128, A>C on the plus strand (T>G on the coding strand, the complement: PALB2 is on the minus strand). VCF-style: chr16-23638128-A-C. GRCh37 (hg19) VCF-style: chr16-23649449-A-C.
Other names: c.50T>G (NM_024675.3); short protein forms L17*.
Identifiers: ClinVar variation 584911 (VCV000584911.8), dbSNP rs1567224232, ClinGen allele CA395140021.
Genomic context (GRCh38, chr16:23,638,128, plus strand): 5'-ACCTGAAGGCGGGCTAGTGTCTTGCTGTATTCCCTTTTCAAGAATGCTAATTTCTCCTTT[A>C]ACTGGAAGAAGAAAAACACCAACAATACTGGGCAAGTGGAAAGGTGGAGTCAGAGGGAAG-3'

ClinVar aggregate classification (germline): Pathogenic. Review status: criteria provided, multiple submitters, no conflicts (2 of 4 stars). 4 submissions from 4 submitters: Pathogenic (4). Last evaluated 2025-03-18.

Conditions:
Hereditary cancer-predisposing syndrome. Also called: Tumor predisposition; Neoplastic Syndromes, Hereditary; Hereditary neoplastic syndrome; Hereditary Cancer Syndrome. Identifiers: Orphanet 140162, MedGen C0027672, MeSH D009386, MONDO:0015356.
Familial cancer of breast. Also called: Hereditary breast cancer; hereditary breast carcinoma; BREAST CANCER, FAMILIAL. Identifiers: Orphanet 227535, MedGen C0346153, MONDO:0016419, OMIM 114480. Disease mechanism: loss of function.

Submissions (4):

Ambry Genetics
Classification: Pathogenic for Hereditary cancer-predisposing syndrome. Last evaluated: 2025-03-18. Review status: criteria provided, single submitter. Criteria: Ambry Variant Classification Scheme 2023. Collection method: clinical testing. Allele origin: germline.
Comment: The p.L17* pathogenic mutation (also known as c.50T>G), located in coding exon 2 of the PALB2 gene, results from a T to G substitution at nucleotide position 50. This changes the amino acid from a leucine to a stop codon within coding exon 2. This variant was detected in two individuals from a cohort of 1663 Brazilian breast cancer patients undergoing hereditary multigene panel testing (Guindalini RSC et al. Sci Rep, 2022 Mar;12:4190). This variant is considered to be rare based on population cohorts in the Genome Aggregation Database (gnomAD). In addition to the clinical data presented in the literature, this alteration is expected to result in loss of function by premature protein truncation or nonsense-mediated mRNA decay. As such, this alteration is interpreted as a disease-causing mutation.

Myriad Genetics, Inc.
Classification: Pathogenic for Familial cancer of breast. Last evaluated: 2023-09-05. Review status: criteria provided, single submitter. Criteria: Myriad Autosomal Dominant, Autosomal Recessive and X-Linked Classification Criteria (2023). Collection method: clinical testing. Allele origin: unknown.
Comment: This variant is considered pathogenic. This variant creates a termination codon and is predicted to result in premature protein truncation.

Color Diagnostics, LLC DBA Color Health
Classification: Pathogenic for Hereditary cancer-predisposing syndrome. Last evaluated: 2022-06-21. Review status: criteria provided, single submitter. Criteria: ACMG Guidelines, 2015. Collection method: clinical testing. Allele origin: germline.
Comment: This variant changes 1 nucleotide in exon 2 of the PALB2 gene, creating a premature translation stop signal. This variant is expected to result in an absent or non-functional protein product. This variant has been detected in a breast cancer case-control meta-analysis in 1/60466 cases and 0/53461 unaffected individuals (PMID: 33471991; Leiden Open Variation Database DB-ID PALB2_011228). This variant has not been identified in the general population by the Genome Aggregation Database (gnomAD). Loss of PALB2 function is a known mechanism of disease. Based on the available evidence, this variant is classified as Pathogenic.

Mendelics
Classification: Pathogenic for Familial cancer of breast. Last evaluated: 2019-05-28. Review status: criteria provided, single submitter. Criteria: Mendelics Assertion Criteria 2017. Collection method: clinical testing. Allele origin: unknown.

Literature cited by the submitters: PubMed 35264596 (cited by Ambry Genetics); PubMed 33471991 (cited by Color Diagnostics, LLC DBA Color Health).